The following is an entry in ClinVar:

NM_014159.7(SETD2):c.2297T>C (p.Met766Thr)

Gene: SETD2 (SET domain containing 2, histone lysine methyltransferase; minus strand). Cytogenetic location: 3p21.31.
Variant type: single nucleotide variant.
Coding change: c.2297T>C on transcript NM_014159.7 (MANE Select); coding-DNA position 2297, T replaced by C.
Protein change: p.Met766Thr; replaces methionine 766 with threonine.
Molecular consequence: missense variant. On other transcripts: non-coding transcript variant (1).
Genome position (GRCh38, 1-based): chr3:47,122,339, A>G on the plus strand (T>C on the coding strand, the complement: SETD2 is on the minus strand). VCF-style: chr3-47122339-A-G. GRCh37 (hg19) VCF-style: chr3-47163829-A-G.
Other names: c.2297T>C (NM_014159.6); c.2165T>C, p.Met722Thr (NM_001349370.3); short protein forms M766T, M722T.
Identifiers: ClinVar variation 135236 (VCV000135236.2), dbSNP rs587778675, ClinGen allele CA162101.

ClinVar aggregate classification (germline): Uncertain significance. Review status: criteria provided, single submitter (1 of 4 stars). 2 submissions from 2 submitters: Uncertain significance (1). 1 of the submissions does not count toward it. Last evaluated 2025-08-27.

Conditions:
Inborn genetic diseases. Identifiers: MedGen C0950123, MeSH D030342.

Allele frequency attached by ClinVar (database versions not stated): gnomAD exomes below 0.00001; TOPMed below 0.00001; ExAC 0.00001; gnomAD 0.00001.
gnomAD v4.1: 3 of 1,614,102 alleles (0.00019%); highest among the groups gnomAD compares: Admixed American, 0.0033%; no homozygotes.

Submissions (2):

Ambry Genetics
Classification: Uncertain significance for Inborn genetic diseases. Last evaluated: 2025-08-27. Review status: criteria provided, single submitter. Criteria: Ambry Variant Classification Scheme 2023. Collection method: clinical testing. Allele origin: germline.

ITMI
No classification provided. Condition: AllHighlyPenetrant. Last evaluated: 2013-09-19. Review status: no classification provided. Collection method: reference population. Allele origin: germline. Not counted in ClinVar's aggregate classification.
Comment: Please see associated publication for description of ethnicities

Literature cited by the submitters: PubMed 24728327 (cited by ITMI).